The following is an entry in ClinVar:

NM_022489.4(INF2):c.3746A>T (p.Gln1249Leu)

Gene: INF2 (inverted formin 2; plus strand). Cytogenetic location: 14q32.33.
Variant type: single nucleotide variant.
Coding change: c.3746A>T on transcript NM_022489.4 (MANE Select); coding-DNA position 3746, A replaced by T.
Protein change: p.Gln1249Leu; replaces glutamine 1249 with leucine.
Molecular consequence: missense variant. On other transcripts: intron variant (1).
Genome position (GRCh38, 1-based): chr14:104,715,335, A>T. VCF-style: chr14-104715335-A-T. GRCh37 (hg19) VCF-style: chr14-105181672-A-T.
Other names: c.3694+479A>T (NM_001031714.4); short protein forms Q1249L.
Identifiers: ClinVar variation 957468 (VCV000957468.9), dbSNP rs1890248105, ClinGen allele CA391226334.
Genomic context (GRCh38, chr14:104,715,335, plus strand): 5'-TGGAAGCAGAGGTTCCCCCTGATTCTGATGATAATAAAACAAAGAAACTGTGTGTGATCC[A>T]GTAAGGTATGTACGCAGCCGGCGCTCCGTGGGGGCTAACAGCAGCTGCAGGGCAGTGGGG-3'
Protein context (NP_071934.3, residues 1239-1249): DNKTKKLCVI[Gln1249Leu]

ClinVar aggregate classification (germline): Uncertain significance (1 of 4 stars; one submission).

Conditions:
Focal segmental glomerulosclerosis 5 (FSGS5). Identifiers: Orphanet 656, MedGen C2750475, MONDO:0013191, OMIM 613237.
Charcot-Marie-Tooth disease dominant intermediate E. Also called: CHARCOT-MARIE-TOOTH NEUROPATHY WITH FOCAL SEGMENTAL GLOMERULONEPHRITIS. Identifiers: Orphanet 93114, MedGen C4302667, MONDO:0013758, OMIM 614455.

Submission:

Labcorp Genetics (formerly Invitae), Labcorp
Classification: Uncertain significance for Charcot-Marie-Tooth disease dominant intermediate E; Focal segmental glomerulosclerosis 5. Last evaluated: 2019-09-24. Review status: criteria provided, single submitter. Criteria: Invitae Variant Classification Sherloc (09022015). Collection method: clinical testing. Allele origin: germline.
Comment: This variant has not been reported in the literature in individuals with INF2-related conditions. In summary, the available evidence is currently insufficient to determine the role of this variant in disease. Therefore, it has been classified as a Variant of Uncertain Significance. Algorithms developed to predict the effect of missense changes on protein structure and function are either unavailable or do not agree on the potential impact of this missense change (SIFT: "Tolerated"; PolyPhen-2: "Benign"; Align-GVGD: "Class C65"). This variant is not present in population databases (ExAC no frequency). This sequence change replaces glutamine with leucine at codon 1249 of the INF2 protein (p.Gln1249Leu). The glutamine residue is moderately conserved and there is a moderate physicochemical difference between glutamine and leucine.